The following is an entry in ClinVar:

ClinVar aggregate classification (germline): Uncertain significance (1 of 4 stars; one submission).

Conditions:
Congenital myasthenic syndrome 8. Also called: MYASTHENIC SYNDROME, CONGENITAL, DUE TO AGRIN DEFICIENCY; Myasthenic syndrome, congenital, 8, with pre- and postsynaptic defects. Identifiers: Orphanet 590, MedGen C3808739, MONDO:0014052, OMIM 615120.

gnomAD v4.1: 5 of 1,612,410 alleles (0.00031%); highest among the groups gnomAD compares: Non-Finnish European, 0.00042%; no homozygotes.

Submission:

Labcorp Genetics (formerly Invitae), Labcorp
Classification: Uncertain significance for Congenital myasthenic syndrome 8. Last evaluated: 2021-02-23. Review status: criteria provided, single submitter. Criteria: Invitae Variant Classification Sherloc (09022015). Collection method: clinical testing. Allele origin: germline.
Comment: In summary, the available evidence is currently insufficient to determine the role of this variant in disease. Therefore, it has been classified as a Variant of Uncertain Significance. Algorithms developed to predict the effect of missense changes on protein structure and function are either unavailable or do not agree on the potential impact of this missense change (SIFT: "Tolerated"; PolyPhen-2: "Possibly Damaging"; Align-GVGD: "Class C0"). This variant has not been reported in the literature in individuals with AGRN-related conditions. This variant is not present in population databases (ExAC no frequency). This sequence change replaces glutamine with histidine at codon 879 of the AGRN protein (p.Gln879His). The glutamine residue is moderately conserved and there is a small physicochemical difference between glutamine and histidine.

NM_198576.4(AGRN):c.2637G>T (p.Gln879His)

Gene: AGRN (agrin; plus strand). Cytogenetic location: 1p36.33.
Variant type: single nucleotide variant.
Coding change: c.2637G>T on transcript NM_198576.4 (MANE Select); coding-DNA position 2637, G replaced by T.
Protein change: p.Gln879His; replaces glutamine 879 with histidine.
Molecular consequence: missense variant.
Genome position (GRCh38, 1-based): chr1:1,045,833, G>T. VCF-style: chr1-1045833-G-T. GRCh37 (hg19) VCF-style: chr1-981213-G-T.
Other names: c.2637G>T, p.Gln879His (NM_001305275.2); c.2322G>T, p.Gln774His (NM_001364727.2); short protein forms Q879H, Q774H.
Identifiers: ClinVar variation 849834 (VCV000849834.9), dbSNP rs1267005027, ClinGen allele CA337841707.